The following is an entry in ClinVar:

ClinVar aggregate classification (germline): Uncertain significance (1 of 4 stars; one submission).

Submission:

Labcorp Genetics (formerly Invitae), Labcorp
Classification: Uncertain significance. Last evaluated: 2024-05-22. Review status: criteria provided, single submitter. Criteria: Invitae Variant Classification Sherloc (09022015). Collection method: clinical testing. Allele origin: germline.
Comment: This sequence change replaces valine, which is neutral and non-polar, with leucine, which is neutral and non-polar, at codon 884 of the RBP3 protein (p.Val884Leu). This variant is not present in population databases (gnomAD no frequency). This variant has not been reported in the literature in individuals affected with RBP3-related conditions. ClinVar contains an entry for this variant (Variation ID: 1926793). An algorithm developed to predict the effect of missense changes on protein structure and function (PolyPhen-2) suggests that this variant is likely to be tolerated. In summary, the available evidence is currently insufficient to determine the role of this variant in disease. Therefore, it has been classified as a Variant of Uncertain Significance.

NM_002900.3(RBP3):c.2650G>C (p.Val884Leu)

Gene: RBP3 (retinol binding protein 3; plus strand). Cytogenetic location: 10q11.22.
Variant type: single nucleotide variant.
Coding change: c.2650G>C on transcript NM_002900.3 (MANE Select); coding-DNA position 2650, G replaced by C.
Protein change: p.Val884Leu; replaces valine 884 with leucine.
Molecular consequence: missense variant.
Genome position (GRCh38, 1-based): chr10:47,351,134, G>C. VCF-style: chr10-47351134-G-C. GRCh37 (hg19) VCF-style: chr10-48388228-C-G.
Other names: short protein forms V884L.
Identifiers: ClinVar variation 1926793 (VCV001926793.5), dbSNP rs11204213, ClinGen allele CA376674213.